The following is an entry in ClinVar:

NM_000138.5(FBN1):c.3569_3570delinsAA (p.Pro1190Gln)

Gene: FBN1 (fibrillin 1; minus strand). Cytogenetic location: 15q21.1.
Variant type: Indel.
Coding change: c.3569_3570delinsAA on transcript NM_000138.5 (MANE Select); coding-DNA positions 3569 to 3570, CC replaced by AA.
Protein change: p.Pro1190Gln; replaces proline 1190 with glutamine.
Molecular consequence: missense variant.
Genome position (GRCh38, 1-based): chr15:48,487,094-48,487,095, GG replaced by TT on the plus strand (CC replaced by AA on the coding strand, the reverse complement: FBN1 is on the minus strand). VCF-style: chr15-48487094-GG-TT. GRCh37 (hg19) VCF-style: chr15-48779291-GG-TT.
Other names: short protein forms P1190Q.
Identifiers: ClinVar variation 922040 (VCV000922040.8), dbSNP rs2043514115, ClinGen allele CA913188650.
Genomic context (GRCh38, chr15:48,487,094, plus strand): 5'-GTAAAATAAAATAAAATAAAATAAAATAAAAAAGAACTTACCAACACAAAATAGCCTATC[GG>TT]GAGTTGAATGGTAGCCAGGGTTGCAGGCACACTGATACTTCCCTATGAGGTTCACGCAAC-3'
Protein context (NP_000129.3, residues 1180-1200): CACNPGYHST[Pro1190Gln]DRLFCVDIDE

ClinVar aggregate classification (germline): Uncertain significance. Review status: criteria provided, multiple submitters, no conflicts (2 of 4 stars). 3 submissions from 3 submitters: Uncertain significance (3). Last evaluated 2026-08-01.

Conditions:
Marfan syndrome (MFS). Also called: MARFAN SYNDROME, TYPE I; Marfan syndrome type 1; Marfan's syndrome; Marfan syndrome, classic; FBN1-Related Marfan Syndrome. Identifiers: Orphanet 284963, Orphanet 558, MedGen C0024796, MONDO:0007947, OMIM 154700.
Familial thoracic aortic aneurysm and aortic dissection (TAAD). Also called: Thoracic aortic aneurysms and dissections. Identifiers: Orphanet 91387, MedGen C4707243, MONDO:0019625.

Submissions (3):

CeGaT Center for Human Genetics Tuebingen
Classification: Uncertain significance. Last evaluated: 2026-08-01. Review status: criteria provided, single submitter. Criteria: CeGaT Center For Human Genetics Tuebingen Variant Classification Criteria Version 2. Collection method: clinical testing. Allele origin: germline. Affected: yes. Observed: 1 variant allele.
Comment: FBN1: PM2

Color Diagnostics, LLC DBA Color Health
Classification: Uncertain significance for Familial thoracic aortic aneurysm and aortic dissection. Last evaluated: 2023-12-04. Review status: criteria provided, single submitter. Criteria: ACMG Guidelines, 2015. Collection method: clinical testing. Allele origin: germline.
Comment: Variant of Uncertain Significance due to insufficient evidence: This missense variant is located in the calcium-binding EGF-like motif 18 of the FBN1 protein. Computational prediction tools and conservation analyses are inconclusive regarding the impact of this variant on the protein function. Computational splicing tools suggest that this variant may not impact RNA splicing. To our knowledge, functional assays have not been performed for this variant nor has this variant been reported in individuals affected with cardiovascular disorders in the literature. This variant is rare in the general population and has been identified in 0/277264 chromosomes by the Genome Aggregation Database (gnomAD). Available evidence is insufficient to determine the pathogenicity of this variant conclusively.

Labcorp Genetics (formerly Invitae), Labcorp
Classification: Uncertain significance for Marfan syndrome; Familial thoracic aortic aneurysm and aortic dissection. Last evaluated: 2023-01-07. Review status: criteria provided, single submitter. Criteria: Invitae Variant Classification Sherloc (09022015). Collection method: clinical testing. Allele origin: germline.
Comment: In summary, the available evidence is currently insufficient to determine the role of this variant in disease. Therefore, it has been classified as a Variant of Uncertain Significance. Algorithms developed to predict the effect of missense changes on protein structure and function are either unavailable or do not agree on the potential impact of this missense change (SIFT: "Not Available"; PolyPhen-2: "Benign"; Align-GVGD: "Not Available"). ClinVar contains an entry for this variant (Variation ID: 922040). This variant has not been reported in the literature in individuals affected with FBN1-related conditions. Information on the frequency of this variant in the gnomAD database is not available, as this variant may be reported differently in the database. This sequence change replaces proline, which is neutral and non-polar, with glutamine, which is neutral and polar, at codon 1190 of the FBN1 protein (p.Pro1190Gln).